The following is an entry in ClinVar:

ClinVar aggregate classification (germline): Uncertain significance (1 of 4 stars; one submission).

Conditions:
PEPD-related disorder. Also called: PEPD-related condition.

Submission:

PreventionGenetics, part of Exact Sciences
Classification: Uncertain significance for PEPD-related condition. Last evaluated: 2025-12-05. Review status: criteria provided, single submitter. Criteria: ACMG Guidelines, 2015. Collection method: clinical testing. Allele origin: germline.
Comment: The PEPD c.401G>A variant is predicted to result in the amino acid substitution p.Ser134Asn. To our knowledge, this variant has not been reported in the literature or in a large population database (gnomAD), indicating this variant is rare. Another missense variant affecting the same amino acid, p.(Ser134Cys), has been observed along with other PEPD variants in an individual with coronary artery ectasia (Table S1, Pekkoc-Uyanik et al. 2023. PubMed ID: 36462085). At this time, the clinical significance of this variant is uncertain due to the absence of conclusive functional and genetic evidence.

NM_000285.4(PEPD):c.401G>A (p.Ser134Asn)

Gene: PEPD (peptidase D; minus strand). Cytogenetic location: 19q13.11.
Variant type: single nucleotide variant.
Coding change: c.401G>A on transcript NM_000285.4 (MANE Select); coding-DNA position 401, G replaced by A.
Protein change: p.Ser134Asn; replaces serine 134 with asparagine.
Molecular consequence: missense variant.
Genome position (GRCh38, 1-based): chr19:33,493,330, C>T on the plus strand (G>A on the coding strand, the complement: PEPD is on the minus strand). VCF-style: chr19-33493330-C-T. GRCh37 (hg19) VCF-style: chr19-33984236-C-T.
Other names: c.401G>A, p.Ser134Asn (NM_001166056.2); c.209G>A, p.Ser70Asn (NM_001166057.2); short protein forms S70N, S134N.
Identifiers: ClinVar variation 4988835 (VCV004988835.1).